The following is an entry in ClinVar:

ClinVar aggregate classification (germline): Likely benign (0 of 4 stars; one submission).

Conditions:
TBX3-related disorder. Also called: TBX3-related condition.

gnomAD v4.1: 11 of 1,614,014 alleles (0.00068%); highest among the groups gnomAD compares: Middle Eastern, 0.016%; no homozygotes.

Submission:

PreventionGenetics, part of Exact Sciences
Classification: Likely benign for TBX3-related condition. Last evaluated: 2023-07-18. Review status: no assertion criteria provided. Collection method: clinical testing. Allele origin: germline.
Comment: This variant is classified as likely benign based on ACMG/AMP sequence variant interpretation guidelines (Richards et al. 2015 PMID: 25741868, with internal and published modifications).

NM_005996.4(TBX3):c.573C>T (p.Pro191=)

Gene: TBX3 (T-box transcription factor 3; minus strand). Cytogenetic location: 12q24.21.
Variant type: single nucleotide variant.
Coding change: c.573C>T on transcript NM_005996.4 (MANE Select); coding-DNA position 573, C replaced by T.
Protein change: p.Pro191=; no amino-acid change (proline 191 retained).
Molecular consequence: synonymous variant.
Genome position (GRCh38, 1-based): chr12:114,680,963, G>A on the plus strand (C>T on the coding strand, the complement: TBX3 is on the minus strand). VCF-style: chr12-114680963-G-A. GRCh37 (hg19) VCF-style: chr12-115118768-G-A.
Other names: c.573C>T, p.Pro191= (NM_016569.4).
Identifiers: ClinVar variation 3351661 (VCV003351661.1).